The following is an entry in ClinVar:

ClinVar aggregate classification (germline): Conflicting classifications of pathogenicity. Review status: criteria provided, conflicting classifications (1 of 4 stars). 6 submissions from 6 submitters: Pathogenic (1); Benign (1); Likely benign (2). 2 of the submissions do not count toward it. Last evaluated 2025-07-31.

Conditions:
Pachyonychia congenita 1 (PC1). Also called: Jadassohn Lewandowsky syndrome; KRT16-Related Pachyonychia Congenita; KRT6A-Related Pachyonychia Congenita; PACHYONYCHIA CONGENITA, LATE ONSET. Identifiers: Orphanet 2309, MedGen C1706595, MONDO:0008173, OMIM 167200.

Allele frequency attached by ClinVar (database versions not stated): gnomAD exomes 0.00008 and 0.00025; 1000 Genomes Project 30x 0.00016; 1000 Genomes Project 0.00020; ExAC 0.00030; gnomAD 0.00107 and 0.00116; TOPMed 0.00128.
gnomAD v4.1: 285 of 1,612,042 alleles (0.018%); highest among the groups gnomAD compares: African/African-American, 0.34%; no homozygotes.

Submissions (6):

Labcorp Genetics (formerly Invitae), Labcorp
Classification: Likely benign. Last evaluated: 2025-07-31. Review status: criteria provided, single submitter. Criteria: Invitae Variant Classification Sherloc (09022015). Collection method: clinical testing. Allele origin: germline.

Laboratory for Molecular Medicine, Mass General Brigham Personalized Medicine
Classification: Likely benign. Last evaluated: 2024-01-29. Review status: criteria provided, single submitter. Criteria: ACMG Guidelines, 2015. Collection method: clinical testing. Allele origin: germline.
Comment: The p.Lys354Asn variant in KRT16 is classified as likely benign because it has been identified in 0.35% (149/41448) of African chromosomes by gnomAD (v.3.1.2). ACMG/AMP Criteria applied: BS1.

GeneDx
Classification: Benign. Last evaluated: 2023-12-21. Review status: criteria provided, single submitter. Criteria: GeneDx Variant Classification Process June 2021. Collection method: clinical testing. Allele origin: germline. Affected: yes.
Comment: See Variant Classification Assertion Criteria.

Mendelics
Classification: Pathogenic for Pachyonychia congenita 1. Last evaluated: 2022-05-04. Review status: criteria provided, single submitter. Criteria: Mendelics Assertion Criteria 2019. Collection method: clinical testing. Allele origin: germline.

OMIM
Classification: Pathogenic for PACHYONYCHIA CONGENITA, LATE ONSET. Last evaluated: 2001-05-01. Review status: no assertion criteria provided. Collection method: literature only. Allele origin: germline. Not counted in ClinVar's aggregate classification.

Epithelial Biology;  Institute of Medical Biology, Singapore
No classification provided. Review status: no classification provided. Collection method: not provided. Allele origin: not provided. Not counted in ClinVar's aggregate classification.

Literature cited by the submitters: PubMed 11359398 (cited by OMIM).

NM_005557.4(KRT16):c.1062A>T (p.Lys354Asn)

Gene: KRT16 (keratin 16; minus strand). Cytogenetic location: 17q21.2.
Variant type: single nucleotide variant.
Coding change: c.1062A>T on transcript NM_005557.4 (MANE Select); coding-DNA position 1062, A replaced by T.
Protein change: p.Lys354Asn; replaces lysine 354 with asparagine.
Molecular consequence: missense variant.
Genome position (GRCh38, 1-based): chr17:41,610,549, T>A on the plus strand (A>T on the coding strand, the complement: KRT16 is on the minus strand). VCF-style: chr17-41610549-T-A. GRCh37 (hg19) VCF-style: chr17-39766801-T-A.
Other names: short protein forms K354N.
Identifiers: ClinVar variation 14607 (VCV000014607.13), dbSNP rs59328451, ClinGen allele CA217370.